The following is an entry in ClinVar:

NM_000037.4(ANK1):c.5265G>A (p.Val1755=)

Gene: ANK1 (ankyrin 1; minus strand). Cytogenetic location: 8p11.21.
Variant type: single nucleotide variant.
Coding change: c.5265G>A on transcript NM_000037.4 (MANE Select); coding-DNA position 5265, G replaced by A.
Protein change: p.Val1755=; no amino-acid change (valine 1755 retained).
Molecular consequence: synonymous variant.
Genome position (GRCh38, 1-based): chr8:41,668,396, C>T on the plus strand (G>A on the coding strand, the complement: ANK1 is on the minus strand). VCF-style: chr8-41668396-C-T. GRCh37 (hg19) VCF-style: chr8-41525914-C-T.
Other names: p.Val1755=; c.5388G>A, p.Val1796= (NM_001142446.2); c.5265G>A, p.Val1755= (NM_020475.3, NM_020476.3); c.4779G>A, p.Val1593= (NM_020477.3).
Identifiers: ClinVar variation 261316 (VCV000261316.32), dbSNP rs750625, ClinGen allele CA4727336.

ClinVar aggregate classification (germline): Benign/Likely benign. Review status: criteria provided, multiple submitters, no conflicts (2 of 4 stars). 12 submissions from 11 submitters: Benign (10); Likely benign (1). 1 of the submissions does not count toward it. Last evaluated 2026-02-03.

Conditions:
Spherocytosis. Identifiers: MedGen C0553720, HP:0004444.
Hereditary spherocytosis type 1. Also called: Spherocytosis type 1; ANK1-Related Spherocytosis. Identifiers: Orphanet 822, MedGen C2674218, MONDO:0008447, OMIM 182900.

Allele frequency attached by ClinVar (database versions not stated): 1000 Genomes Project 0.19469; 1000 Genomes Project 30x 0.19691; ExAC 0.21339; gnomAD exomes 0.21708 and 0.23456; TOPMed 0.23107; ESP Exome Variant Server 0.23120.

Submissions (12):

Labcorp Genetics (formerly Invitae), Labcorp
Classification: Benign. Last evaluated: 2026-02-03. Review status: criteria provided, single submitter. Criteria: Invitae Variant Classification Sherloc (09022015). Collection method: clinical testing. Allele origin: germline.

ARUP Laboratories, Molecular Genetics and Genomics, ARUP Laboratories
Classification: Benign for Hereditary spherocytosis type 1. Last evaluated: 2025-07-31. Review status: criteria provided, single submitter. Criteria: ARUP Molecular Germline Variant Investigation Process 2024. Collection method: clinical testing. Allele origin: germline.

Blueprint Genetics
Classification: Likely benign. Last evaluated: 2024-11-27. Review status: criteria provided, single submitter. Criteria: ACMG Guidelines, 2015. Collection method: clinical testing. Allele origin: germline.

Genome-Nilou Lab
Classification: Benign for Hereditary spherocytosis type 1. Last evaluated: 2021-12-05. Review status: criteria provided, single submitter. Criteria: ACMG Guidelines, 2015. Collection method: clinical testing. Allele origin: germline. Affected: no.

GeneDx
Classification: Benign. Last evaluated: 2018-11-10. Review status: criteria provided, single submitter. Criteria: GeneDx Variant Classification Process June 2021. Collection method: clinical testing. Allele origin: germline. Affected: yes.

Illumina Laboratory Services, Illumina
Classification: Benign for Hereditary spherocytosis type 1. Last evaluated: 2018-01-13. Review status: criteria provided, single submitter. Criteria: ICSL Variant Classification Criteria 13 December 2019. Collection method: clinical testing. Allele origin: germline.
Comment: This variant was observed in the ICSL laboratory as part of a predisposition screen in an ostensibly healthy population. It had not been previously curated by ICSL or reported in the Human Gene Mutation Database (HGMD: prior to June 1st, 2018), and was therefore a candidate for classification through an automated scoring system. Utilizing variant allele frequency, disease prevalence and penetrance estimates, and inheritance mode, an automated score was calculated to assess if this variant is too frequent to cause the disease. Based on the score and internal cut-off values, a variant classified as benign is not then subjected to further curation. The score for this variant resulted in a classification of benign for this disease.

Illumina Laboratory Services, Illumina
Classification: Benign for Spherocytosis. Last evaluated: 2018-01-13. Review status: criteria provided, single submitter. Criteria: ICSL Variant Classification Criteria 13 December 2019. Collection method: clinical testing. Allele origin: germline.
Comment: the same text as in the submission from Illumina Laboratory Services, Illumina above.

Mayo Clinic Laboratories, Mayo Clinic
Classification: Benign. Last evaluated: 2016-04-15. Review status: criteria provided, single submitter. Criteria: ACMG Guidelines, 2015. Collection method: clinical testing. Allele origin: germline. Observed: 959 variant alleles.

Genome Diagnostics Laboratory, University Medical Center Utrecht
Classification: Benign for Hereditary spherocytosis type 1. Last evaluated: 2014-10-10. Review status: criteria provided, single submitter. Criteria: ACGS Guidelines, 2013. Collection method: clinical testing. Allele origin: germline. Affected: yes. Study: VKGL Data-share Consensus.

Breakthrough Genomics
Classification: Benign. Review status: criteria provided, single submitter. Criteria: ACMG Guidelines, 2015. Collection method: not provided. Allele origin: germline. Inheritance: Autosomal dominant inheritance. Affected: yes.

PreventionGenetics, part of Exact Sciences
Classification: Benign. Review status: criteria provided, single submitter. Criteria: ACMG Guidelines, 2015. Collection method: clinical testing. Allele origin: germline.

Diagnostic Laboratory, Department of Genetics, University Medical Center Groningen
Classification: Benign for Hereditary spherocytosis type 1. Review status: no assertion criteria provided. Collection method: clinical testing. Allele origin: germline. Affected: yes. Study: VKGL Data-share Consensus. Not counted in ClinVar's aggregate classification.